The following is an entry in ClinVar:

ClinVar aggregate classification (germline): Likely pathogenic (1 of 4 stars; one submission).

Conditions:
Hereditary cancer-predisposing syndrome. Also called: Neoplastic Syndromes, Hereditary; Tumor predisposition; Hereditary Cancer Syndrome; Hereditary neoplastic syndrome. Identifiers: Orphanet 140162, MedGen C0027672, MeSH D009386, MONDO:0015356.

Submission:

Ambry Genetics
Classification: Likely pathogenic for Hereditary cancer-predisposing syndrome. Last evaluated: 2026-04-27. Review status: criteria provided, single submitter. Criteria: Ambry Variant Classification Scheme 2023. Collection method: clinical testing. Allele origin: germline.
Comment: The c.734+3A>C intronic variant results from an A to C substitution 3 nucleotides after coding exon 5 in the DICER1 gene. This nucleotide position is well conserved in available vertebrate species. In silico splice site analysis predicts that this alteration will weaken the native splice donor site. RNA studies have demonstrated that this alteration results in abnormal splicing in the set of samples tested (Ambry internal data). This variant is considered to be rare based on population cohorts in the Genome Aggregation Database (gnomAD). Based on the majority of available evidence to date, this variant is likely to be pathogenic.

NM_177438.3(DICER1):c.734+3A>C

Gene: DICER1 (dicer 1, ribonuclease III; minus strand). Cytogenetic location: 14q32.13.
Variant type: single nucleotide variant.
Coding change: c.734+3A>C on transcript NM_177438.3 (MANE Select); 3 bases into the intron after coding-DNA position 734, A replaced by C.
Molecular consequence: intron variant.
Genome position (GRCh38, 1-based): chr14:95,129,469, T>G on the plus strand (A>C on the coding strand, the complement: DICER1 is on the minus strand). VCF-style: chr14-95129469-T-G. GRCh37 (hg19) VCF-style: chr14-95595806-T-G.
Other names: c.734+3A>C (NM_001291628.2, NM_030621.4, NM_001395677.1 and 14 more transcripts); c.329+3A>C (NM_001395690.1, NM_001395687.1, NM_001395689.1 and 3 more transcripts); c.452+3A>C (NM_001395686.1); c.167+3A>C (NM_001395691.1); c.-835+3A>C (NM_001395697.1).
Identifiers: ClinVar variation 3271992 (VCV003271992.2).
Genomic context (GRCh38, chr14:95,129,469, plus strand): 5'-ACCAAAGACTTAATATTGTTTTCAACTAATCTCATTAAAGCTGAGTCAATCAGAAGTGCA[T>G]ACCTGTCTAAGACCACCAGGTCAGTTGCAGTTTCAGCATTACTCTTAAGAATTTTCTCTA-3'